The following is an entry in ClinVar:

ClinVar aggregate classification (germline): Uncertain significance (1 of 4 stars; one submission).

Conditions:
Hereditary cancer-predisposing syndrome. Also called: Hereditary neoplastic syndrome; Neoplastic Syndromes, Hereditary; Tumor predisposition; Hereditary Cancer Syndrome. Identifiers: Orphanet 140162, MedGen C0027672, MeSH D009386, MONDO:0015356.

Submission:

Ambry Genetics
Classification: Uncertain significance for Hereditary cancer-predisposing syndrome. Last evaluated: 2020-09-01. Review status: criteria provided, single submitter. Criteria: Ambry Variant Classification Scheme 2023. Collection method: clinical testing. Allele origin: germline.
Comment: The p.Q2740H variant (also known as c.8220G>C), located in coding exon 55 of the ATM gene, results from a G to C substitution at nucleotide position 8220. The glutamine at codon 2740 is replaced by histidine, an amino acid with highly similar properties. This amino acid position is highly conserved in available vertebrate species. In addition, the in silico prediction for this alteration is inconclusive. Since supporting evidence is limited at this time, the clinical significance of this alteration remains unclear.

NM_000051.4(ATM):c.8220G>C (p.Gln2740His)

Genes: ATM (ATM serine/threonine kinase; plus strand), C11orf65 (chromosome 11 open reading frame 65; minus strand). Cytogenetic location: 11q22.3.
Variant type: single nucleotide variant.
Coding change: c.8220G>C on transcript NM_000051.4 (MANE Select); coding-DNA position 8220, G replaced by C.
Protein change: p.Gln2740His; replaces glutamine 2740 with histidine.
Molecular consequence: missense variant. On other transcripts: intron variant (2).
Genome position (GRCh38, 1-based): chr11:108,335,913, G>C. VCF-style: chr11-108335913-G-C. GRCh37 (hg19) VCF-style: chr11-108206640-G-C.
Other names: c.8220G>C, p.Gln2740His (NM_001351834.2); c.641-26842C>G (NM_001330368.2); c.695-621C>G (NM_001351110.2); short protein forms Q2740H.
Identifiers: ClinVar variation 1762520 (VCV001762520.2), dbSNP rs1060504313, ClinGen allele CA382562602.